The following is an entry in ClinVar:

NM_003742.4(ABCB11):c.2135T>C (p.Leu712Ser)

Gene: ABCB11 (ATP binding cassette subfamily B member 11; minus strand). Cytogenetic location: 2q31.1.
Variant type: single nucleotide variant.
Coding change: c.2135T>C on transcript NM_003742.4 (MANE Select); coding-DNA position 2135, T replaced by C.
Protein change: p.Leu712Ser; replaces leucine 712 with serine.
Molecular consequence: missense variant.
Genome position (GRCh38, 1-based): chr2:168,964,249, A>G on the plus strand (T>C on the coding strand, the complement: ABCB11 is on the minus strand). VCF-style: chr2-168964249-A-G. GRCh37 (hg19) VCF-style: chr2-169820759-A-G.
Other names: p.Leu712Ser; c.2135T>C, p.Leu712Ser (LRG_1199t1); c.2135T>C (NM_003742.2); short protein forms L712S.
Identifiers: ClinVar variation 598116 (VCV000598116.14), dbSNP rs372939910, ClinGen allele CA1951360.
Genomic context (GRCh38, chr2:168,964,249, plus strand): 5'-AGCAGTTGGTGCCTGACCTTTCTATCTTCTTCATAGGTAGACTTATGATCTACAACAGCT[A>G]ATGGAGGTTCGTGCACCAGGTAAGAAAGCTGAGACTTGGAGCGTTGCCGGATGGAAGCCC-3'
Protein context (NP_003733.2, residues 702-722): QLSYLVHEPP[Leu712Ser]AVVDHKSTYE

ClinVar aggregate classification (germline): Uncertain significance. Review status: criteria provided, multiple submitters, no conflicts (2 of 4 stars). 7 submissions from 7 submitters: Uncertain significance (7). Last evaluated 2026-08-10.

Conditions:
Benign recurrent intrahepatic cholestasis type 2 (BRIC2). Also called: Recurrent familial intrahepatic cholestasis 2. Identifiers: Orphanet 65682, Orphanet 99961, MedGen C2608083, MONDO:0011559, OMIM 605479.
ABCB11-related disorder. Also called: ABCB11-related condition.
Familial intrahepatic cholestasis. Identifiers: Orphanet 284385, MedGen CN296401, MONDO:0017290.

Allele frequency attached by ClinVar (database versions not stated): gnomAD 0.00003 and 0.00002; gnomAD exomes 0.00003 and 0.00001; 1000 Genomes Project 30x 0.00031; 1000 Genomes Project 0.00040; TOPMed 0.00002; ExAC 0.00003.
gnomAD v4.1: 36 of 1,569,972 alleles (0.0023%); highest among the groups gnomAD compares: East Asian, 0.03%; no homozygotes.

Submissions (7):

PreventionGenetics, part of Exact Sciences
Classification: Uncertain significance for ABCB11-related condition. Last evaluated: 2026-08-10. Review status: criteria provided, single submitter. Criteria: ACMG Guidelines, 2015. Collection method: clinical testing. Allele origin: germline.
Comment: The ABCB11 c.2135T>C variant is predicted to result in the amino acid substitution p.Leu712Ser. This variant has been reported in an individual with biliary atresia, extrahepatic (Sangkhathat et al. 2018. PubMed ID: 29707407) and an individual with cholestasis (Table S5, Qiu et al. 2017. PubMed ID: 28027573). This variant is reported in 0.016% of alleles in individuals of South Asian descent in gnomAD and is interpreted as uncertain in ClinVar (Variation ID: 598116). At this time, the clinical significance of this variant is uncertain due to the absence of conclusive functional and genetic evidence.

Genomenon, Inc
Classification: Uncertain significance for Familial intrahepatic cholestasis. Last evaluated: 2026-04-14. Review status: criteria provided, single submitter. Criteria: Genomenon Sequence Variant Interpretation Standards - Updated. Collection method: curation. Allele origin: germline. Affected: no.
Comment: ABCB11 p.Leu712Ser (c.2135T>C) is a missense variant that changes the amino acid at residue 712 from Leucine to Serine. This variant has been reported in the published literature (PMID:37208429;29707407). It is absent or not present at a significant frequency in gnomAD. In silico models predict that this variant is not damaging. In conclusion, we classify ABCB11 p.Leu712Ser (c.2135T>C) as a variant of uncertain significance.

3billion
Classification: Uncertain significance for Benign recurrent intrahepatic cholestasis type 2. Last evaluated: 2025-11-06. Review status: criteria provided, single submitter. Criteria: ACMG Guidelines, 2015. Collection method: clinical testing. Allele origin: germline. Affected: yes.
Comment: The variant is observed at an extremely low frequency in the gnomAD v4.1.0 dataset (total allele frequency: 0.002%). Predicted Consequence/Location: Missense variant Damaging effect on gene or gene product predicted by in silico programs is uncertain [REVEL: 0.25 (damaging >=0.6, benign <0.4), 3Cnet: 0.19 (damaging >0.75, benign <0.1)]. The variant has been reported as of uncertain significance (ClinVar ID: VCV000598116; PMID: 29707407; 3billion dataset). Therefore, this variant is classified as VUS according to the recommendation of ACMG/AMP guideline.

Blueprint Genetics
Classification: Uncertain significance. Last evaluated: 2024-07-05. Review status: criteria provided, single submitter. Criteria: ACMG Guidelines, 2015. Collection method: clinical testing. Allele origin: germline.

Mayo Clinic Laboratories, Mayo Clinic
Classification: Uncertain significance. Last evaluated: 2024-03-14. Review status: criteria provided, single submitter. Criteria: ACMG Guidelines, 2015. Collection method: clinical testing. Allele origin: germline. Observed: 1 variant allele.
Comment: BP4, PM2

Revvity Omics, Revvity
Classification: Uncertain significance. Last evaluated: 2019-08-22. Review status: criteria provided, single submitter. Criteria: ACMG Guidelines, 2015. Collection method: clinical testing. Allele origin: germline.

Eurofins Ntd Llc (ga)
Classification: Uncertain significance. Last evaluated: 2018-08-03. Review status: criteria provided, single submitter. Criteria: EGL ClinVar v180209 classification definitions. Collection method: clinical testing. Allele origin: germline. Observed: 1 variant allele, 1 heterozygote.

Literature cited by the submitters: PubMed 37208429 (cited by Genomenon, Inc and Mayo Clinic Laboratories, Mayo Clinic); PubMed 29707407 (cited by Genomenon, Inc and Mayo Clinic Laboratories, Mayo Clinic); PubMed 28027573 (cited by Mayo Clinic Laboratories, Mayo Clinic and Eurofins Ntd Llc (ga)).